The following is an entry in ClinVar:

NM_003047.5(SLC9A1):c.176A>T (p.Asp59Val)

Gene: SLC9A1 (solute carrier family 9 member A1; minus strand). Cytogenetic location: 1p36.11.
Variant type: single nucleotide variant.
Coding change: c.176A>T on transcript NM_003047.5 (MANE Select); coding-DNA position 176, A replaced by T.
Protein change: p.Asp59Val; replaces aspartic acid 59 with valine.
Molecular consequence: missense variant. On other transcripts: non-coding transcript variant (1).
Genome position (GRCh38, 1-based): chr1:27,154,159, T>A on the plus strand (A>T on the coding strand, the complement: SLC9A1 is on the minus strand). VCF-style: chr1-27154159-T-A. GRCh37 (hg19) VCF-style: chr1-27480650-T-A.
Other names: p.Asp59Val; c.176A>T (NM_003047.3); short protein forms D59V.
Identifiers: ClinVar variation 2441715 (VCV002441715.3), dbSNP rs761485124, ClinGen allele CA711393.

ClinVar aggregate classification (germline): Uncertain significance. Review status: criteria provided, multiple submitters, no conflicts (2 of 4 stars). 3 submissions from 3 submitters: Uncertain significance (3). Last evaluated 2024-09-13.

Conditions:
Lichtenstein-Knorr syndrome (LIKNS). Also called: SPINOCEREBELLAR ATAXIA, AUTOSOMAL RECESSIVE 19. Identifiers: Orphanet 448251, MedGen C4225383, MONDO:0014572, OMIM 616291.

Allele frequency attached by ClinVar (database versions not stated): ExAC 0.00002; TOPMed 0.00002; gnomAD 0.00003.
gnomAD v4.1: 24 of 1,613,826 alleles (0.0015%); highest among the groups gnomAD compares: Non-Finnish European, 0.002%; no homozygotes.

Submissions (3):

Mayo Clinic Laboratories, Mayo Clinic
Classification: Uncertain significance. Last evaluated: 2024-09-13. Review status: criteria provided, single submitter. Criteria: ACMG Guidelines, 2015. Collection method: clinical testing. Allele origin: germline. Observed: 1 variant allele.
Comment: BP4, PM2

Ambry Genetics
Classification: Uncertain significance. Last evaluated: 2023-12-20. Review status: criteria provided, single submitter. Criteria: Ambry Variant Classification Scheme 2023. Collection method: clinical testing. Allele origin: germline.

Baylor Genetics
Classification: Uncertain significance for Lichtenstein-Knorr syndrome. Last evaluated: 2022-10-12. Review status: criteria provided, single submitter. Criteria: ACMG Guidelines, 2015. Collection method: clinical testing. Allele origin: unknown.